The following is an entry in ClinVar:

ClinVar aggregate classification (germline): Uncertain significance. Review status: criteria provided, multiple submitters, no conflicts (2 of 4 stars). 2 submissions from 2 submitters: Uncertain significance (2). Last evaluated 2023-02-08.

gnomAD v4.1: 6 of 1,613,998 alleles (0.00037%); highest among the groups gnomAD compares: Non-Finnish European, 0.00051%; no homozygotes.

Submissions (2):

Athena Diagnostics
Classification: Uncertain significance. Last evaluated: 2023-02-08. Review status: criteria provided, single submitter. Criteria: Athena Diagnostics Criteria. Collection method: clinical testing. Allele origin: unknown.
Comment: Available data are insufficient to determine the clinical significance of the variant at this time. This variant has not been reported in large, multi-ethnic general populations. Computational tools predict that this variant is damaging.

Mayo Clinic Laboratories, Mayo Clinic
Classification: Uncertain significance. Last evaluated: 2020-03-23. Review status: criteria provided, single submitter. Criteria: ACMG Guidelines, 2015. Collection method: clinical testing. Allele origin: germline. Observed: 1 variant allele.

NM_001130987.2(DYSF):c.4244A>C (p.Tyr1415Ser)

Gene: DYSF (dysferlin; plus strand). Cytogenetic location: 2p13.2.
Variant type: single nucleotide variant.
Coding change: c.4244A>C on transcript NM_001130987.2 (MANE Select); coding-DNA position 4244, A replaced by C.
Protein change: p.Tyr1415Ser; replaces tyrosine 1415 with serine.
Molecular consequence: missense variant.
Genome position (GRCh38, 1-based): chr2:71,612,663, A>C. VCF-style: chr2-71612663-A-C. GRCh37 (hg19) VCF-style: chr2-71839793-A-C.
Other names: c.4193A>C, p.Tyr1398Ser (NM_001130455.2, NM_001130983.2); c.4148A>C, p.Tyr1383Ser (NM_001130976.2, NM_001130977.2); c.4190A>C, p.Tyr1397Ser (NM_001130978.2, NM_003494.4); c.4283A>C, p.Tyr1428Ser (NM_001130979.2); c.4241A>C, p.Tyr1414Ser (NM_001130980.2, NM_001130981.2); c.4286A>C, p.Tyr1429Ser (NM_001130982.2); c.4151A>C, p.Tyr1384Ser (NM_001130984.2, NM_001130986.2); c.4244A>C, p.Tyr1415Ser (NM_001130985.2); short protein forms Y1383S, Y1384S, Y1397S, Y1398S, Y1414S, Y1415S, Y1428S, Y1429S.
Identifiers: ClinVar variation 1162924 (VCV001162924.6), dbSNP rs775254512, ClinGen allele CA49779887.